The following is an entry in ClinVar:

ClinVar aggregate classification (germline): Likely pathogenic (1 of 4 stars; one submission).

Conditions:
Pituitary hormone deficiency, combined or isolated, 8 (CPHD8). Identifiers: MedGen C5830375, MONDO:0957208, OMIM 620303.

Submission:

3billion
Classification: Likely pathogenic for Pituitary hormone deficiency, combined or isolated, 8. Last evaluated: 2026-01-15. Review status: criteria provided, single submitter. Criteria: ACMG Guidelines, 2015. Collection method: clinical testing. Allele origin: germline. Affected: yes.
Comment: The variant is not observed in the gnomAD v4.1.0 dataset. Predicted Consequence/Location: Frameshift: predicted to result in a loss or disruption of normal protein function through nonsense-mediated decay (NMD) or protein truncation. Multiple pathogenic variants are reported downstream of the variant. Therefore, this variant is classified as Likely pathogenic according to the recommendation of ACMG/AMP guideline.

NM_002941.4(ROBO1):c.4593del (p.Arg1532fs)

Gene: ROBO1 (roundabout guidance receptor 1; minus strand). Cytogenetic location: 3p12.3.
Variant type: Deletion.
Coding change: c.4593del on transcript NM_002941.4 (MANE Select); coding-DNA position 4593, one base deleted (G; older notation c.4593delG).
Protein change: p.Arg1532fs; shifts the reading frame from arginine 1532.
Molecular consequence: frameshift variant.
Genome position (GRCh38, 1-based): chr3:78,606,884, C deleted on the plus strand (G on the coding strand, the reverse complement: ROBO1 is on the minus strand); the first of 4 consecutive C bases (chr3:78,606,884-78,606,887); deleting any one gives the same sequence. VCF-style (leftmost placement, unchanged base first): chr3-78606883-TC-T. GRCh37 (hg19) VCF-style: chr3-78656033-TC-T.
Other names: c.4293del, p.Arg1432fs (NM_001145845.2); c.4458del, p.Arg1487fs (NM_133631.4); short protein forms R1432fs, R1487fs, R1532fs.
Identifiers: ClinVar variation 4854049 (VCV004854049.1).